The following is an entry in ClinVar:

NM_000136.3(FANCC):c.457-1G>T

Gene: FANCC (FA complementation group C; minus strand). Cytogenetic location: 9q22.32.
Variant type: single nucleotide variant.
Coding change: c.457-1G>T on transcript NM_000136.3 (MANE Select); the canonical splice acceptor site of the intron before coding-DNA position 457, G replaced by T.
Molecular consequence: splice acceptor variant.
Genome position (GRCh38, 1-based): chr9:95,171,144, C>A on the plus strand (G>T on the coding strand, the complement: FANCC is on the minus strand). VCF-style: chr9-95171144-C-A. GRCh37 (hg19) VCF-style: chr9-97933426-C-A.
Other names: c.457-1G>T (NM_001243743.2, NM_001243744.2).
Identifiers: ClinVar variation 370985 (VCV000370985.10), dbSNP rs1057516917, ClinGen allele CA16041347.
Genomic context (GRCh38, chr9:95,171,144, plus strand): 5'-TTGAGTGTTAAATCCATTAAGATGATTCTCTCTGAGTTCAGACGCTAATGATAAAACCAT[C>A]TGTAAAACAAAATCAGTTGCAGGTTAACTCACGCTGCAAACAGGATTACATCAGTTCTAT-3'

ClinVar aggregate classification (germline): Likely pathogenic. Review status: criteria provided, single submitter (1 of 4 stars). 2 submissions from 2 submitters: Likely pathogenic (1). 1 of the submissions does not count toward it. Last evaluated 2020-06-08.

Conditions:
Fanconi anemia (FA). Also called: Fanconi's anemia. Identifiers: Orphanet 84, MedGen C0015625, MeSH D005199, MONDO:0019391.
Fanconi anemia complementation group C (FANCC). Also called: Fanconi anemia, group C; FANCONI PANCYTOPENIA, TYPE 3; FACC; FANCC-Related Fanconi Anemia. Identifiers: Orphanet 84, MedGen C3468041, MONDO:0009213, OMIM 227645.

Submissions (2):

Labcorp Genetics (formerly Invitae), Labcorp
Classification: Likely pathogenic for Fanconi anemia. Last evaluated: 2020-06-08. Review status: criteria provided, single submitter. Criteria: Invitae Variant Classification Sherloc (09022015). Collection method: clinical testing. Allele origin: germline.
Comment: This sequence change affects an acceptor splice site in intron 5 of the FANCC gene. It is expected to disrupt RNA splicing and likely results in an absent or disrupted protein product. This variant is not present in population databases (ExAC no frequency). This variant has not been reported in the literature in individuals with FANCC-related conditions. ClinVar contains an entry for this variant (Variation ID: 370985). Algorithms developed to predict the effect of sequence changes on RNA splicing suggest that this variant may disrupt the consensus splice site, but this prediction has not been confirmed by published transcriptional studies. Donor and acceptor splice site variants typically lead to a loss of protein function (PMID: 16199547), and loss-of-function variants in FANCC are known to be pathogenic (PMID: 17924555). In summary, the currently available evidence indicates that the variant is pathogenic, but additional data are needed to prove that conclusively. Therefore, this variant has been classified as Likely Pathogenic.

Counsyl
Classification: Likely pathogenic for Fanconi anemia complementation group C. Last evaluated: 2016-05-27. Review status: no assertion criteria provided. Collection method: clinical testing. Allele origin: unknown. Not counted in ClinVar's aggregate classification.

Literature cited by the submitters: PubMed 16199547 (cited by Labcorp Genetics (formerly Invitae), Labcorp); PubMed 17924555 (cited by Labcorp Genetics (formerly Invitae), Labcorp).